The following is an entry in ClinVar:

ClinVar aggregate classification (germline): Uncertain significance. Review status: criteria provided, multiple submitters, no conflicts (2 of 4 stars). 2 submissions from 2 submitters: Uncertain significance (2). Last evaluated 2025-11-19.

Conditions:
2-aminoadipic 2-oxoadipic aciduria (AAKAD). Also called: Aminoadipic aciduria; ALPHA-AMINOADIPIC AND ALPHA-KETOADIPIC ACIDURIA. Identifiers: Orphanet 79154, MedGen C1859817, MONDO:0008774, OMIM 204750.

gnomAD v4.1: 4 of 1,613,680 alleles (0.00025%); highest among the groups gnomAD compares: Non-Finnish European, 0.00034%; no homozygotes.

Submissions (2):

Dasa
Classification: Uncertain significance. Last evaluated: 2025-11-19. Review status: criteria provided, single submitter. Criteria: DASA Assertion Criteria. Collection method: clinical testing. Allele origin: germline.
Comment: NM_018706.7(DHTKD1):c.1101G>C (p.Gln367His) is a missense variant that results in the substitution of glutamine with histidine. This variant is rare in population databases. Computational prediction algorithms are consistent with a deleterious effect. The currently available literature and clinical evidence are not sufficient to establish a definitive association between this variant and the reported condition. Therefore, this variant is classified as a variant of uncertain significance.

Labcorp Genetics (formerly Invitae), Labcorp
Classification: Uncertain significance for 2-aminoadipic 2-oxoadipic aciduria. Last evaluated: 2024-04-22. Review status: criteria provided, single submitter. Criteria: Invitae Variant Classification Sherloc (09022015). Collection method: clinical testing. Allele origin: germline.
Comment: This sequence change replaces glutamine, which is neutral and polar, with histidine, which is basic and polar, at codon 367 of the DHTKD1 protein (p.Gln367His). This variant is present in population databases (rs777534408, gnomAD 0.002%). This variant has not been reported in the literature in individuals affected with DHTKD1-related conditions. Advanced modeling of protein sequence and biophysical properties (such as structural, functional, and spatial information, amino acid conservation, physicochemical variation, residue mobility, and thermodynamic stability) performed at Invitae indicates that this missense variant is expected to disrupt DHTKD1 protein function with a positive predictive value of 80%. In summary, the available evidence is currently insufficient to determine the role of this variant in disease. Therefore, it has been classified as a Variant of Uncertain Significance.

NM_018706.7(DHTKD1):c.1101G>C (p.Gln367His)

Gene: DHTKD1 (dehydrogenase E1 and transketolase domain containing 1; plus strand). Cytogenetic location: 10p14.
Variant type: single nucleotide variant.
Coding change: c.1101G>C on transcript NM_018706.7 (MANE Select); coding-DNA position 1101, G replaced by C.
Protein change: p.Gln367His; replaces glutamine 367 with histidine.
Molecular consequence: missense variant.
Genome position (GRCh38, 1-based): chr10:12,091,626, G>C. VCF-style: chr10-12091626-G-C. GRCh37 (hg19) VCF-style: chr10-12133625-G-C.
Other names: short protein forms Q367H.
Identifiers: ClinVar variation 3626347 (VCV003626347.4).